The following is an entry in ClinVar:

NM_005592.4(MUSK):c.665A>G (p.Asn222Ser)

Gene: MUSK (muscle associated receptor tyrosine kinase; plus strand). Cytogenetic location: 9q31.3.
Variant type: single nucleotide variant.
Coding change: c.665A>G on transcript NM_005592.4 (MANE Select); coding-DNA position 665, A replaced by G.
Protein change: p.Asn222Ser; replaces asparagine 222 with serine.
Molecular consequence: missense variant. On other transcripts: 5 prime UTR variant (1).
Genome position (GRCh38, 1-based): chr9:110,734,287, A>G. VCF-style: chr9-110734287-A-G. GRCh37 (hg19) VCF-style: chr9-113496567-A-G.
Other names: c.695A>G, p.Asn232Ser (NM_001166280.2); c.665A>G, p.Asn222Ser (NM_001166281.2); c.-572A>G (NM_001369398.1); short protein forms N222S, N232S.
Identifiers: ClinVar variation 281408 (VCV000281408.48), dbSNP rs55826142, ClinGen allele CA5184148.

ClinVar aggregate classification (germline): Conflicting classifications of pathogenicity. Review status: criteria provided, conflicting classifications (1 of 4 stars). 6 submissions from 6 submitters: Uncertain significance (1); Likely benign (4). 1 of the submissions does not count toward it. Last evaluated 2026-01-22.

Conditions:
Congenital myasthenic syndrome 9. Also called: Myasthenic syndrome, congenital, 9, associated with acetylcholine receptor deficiency. Identifiers: Orphanet 590, MedGen C4225368, MONDO:0014587, OMIM 616325.
Fetal akinesia deformation sequence 1 (FADS1). Also called: Fetal akinesia sequence; Pena-Shokeir syndrome type I. Identifiers: Orphanet 994, MedGen C1276035, MONDO:0100101, OMIM 208150, HP:0001989.
MUSK-related disorder. Also called: MUSK-related disorders; MUSK-related condition.

Allele frequency attached by ClinVar (database versions not stated): 1000 Genomes Project 30x 0.00016; 1000 Genomes Project 0.00020; ExAC 0.00089; gnomAD exomes 0.00090 and 0.00187; TOPMed 0.00103; gnomAD 0.00113 and 0.00116; ESP Exome Variant Server 0.00138.
gnomAD v4.1: 2,869 of 1,613,064 alleles (0.18%); highest among the groups gnomAD compares: Non-Finnish European, 0.23%; 3 homozygotes.

Submissions (6):

Labcorp Genetics (formerly Invitae), Labcorp
Classification: Likely benign for Congenital myasthenic syndrome 9; Fetal akinesia deformation sequence 1. Last evaluated: 2026-01-22. Review status: criteria provided, single submitter. Criteria: Invitae Variant Classification Sherloc (09022015). Collection method: clinical testing. Allele origin: germline.

CeGaT Center for Human Genetics Tuebingen
Classification: Likely benign. Last evaluated: 2025-12-01. Review status: criteria provided, single submitter. Criteria: CeGaT Center For Human Genetics Tuebingen Variant Classification Criteria Version 2. Collection method: clinical testing. Allele origin: germline. Affected: yes. Observed: 2 variant alleles.
Comment: MUSK: BP4

GeneDx
Classification: Likely benign. Last evaluated: 2018-02-15. Review status: criteria provided, single submitter. Criteria: GeneDx Variant Classification (06012015). Collection method: clinical testing. Allele origin: germline. Affected: yes.
Comment: This variant is considered likely benign or benign based on one or more of the following criteria: it is a conservative change, it occurs at a poorly conserved position in the protein, it is predicted to be benign by multiple in silico algorithms, and/or has population frequency not consistent with disease.

Illumina Laboratory Services, Illumina
Classification: Uncertain significance for Congenital myasthenic syndrome 9. Last evaluated: 2017-04-27. Review status: criteria provided, single submitter. Criteria: ICSL Variant Classification Criteria 13 December 2019. Collection method: clinical testing. Allele origin: germline.
Comment: This variant was observed as part of a predisposition screen in an ostensibly healthy population. A literature search was performed for the gene, cDNA change, and amino acid change (where applicable). Publications were found based on this search. However, the evidence from the literature, in combination with allele frequency data from public databases where available, was not sufficient to rule this variant in or out of causing disease. Therefore, this variant is classified as a variant of unknown significance.

Eurofins Ntd Llc (ga)
Classification: Likely benign. Last evaluated: 2015-06-22. Review status: criteria provided, single submitter. Criteria: EGL Classification Definitions 2015. Collection method: clinical testing. Allele origin: germline. Observed: 1 variant allele, 1 heterozygote.

PreventionGenetics, part of Exact Sciences
Classification: Likely benign for MUSK-related condition. Last evaluated: 2023-02-20. Review status: no assertion criteria provided. Collection method: clinical testing. Allele origin: germline. Not counted in ClinVar's aggregate classification.
Comment: This variant is classified as likely benign based on ACMG/AMP sequence variant interpretation guidelines (Richards et al. 2015 PMID: 25741868, with internal and published modifications).

Literature cited by the submitters: PubMed 25262156 (cited by Illumina Laboratory Services, Illumina).